The following is an entry in ClinVar:

ClinVar aggregate classification (germline): Uncertain significance. Review status: criteria provided, multiple submitters, no conflicts (2 of 4 stars). 2 submissions from 2 submitters: Uncertain significance (2). Last evaluated 2021-12-26.

Conditions:
Very long chain acyl-CoA dehydrogenase deficiency (ACADVLD). Also called: Very Long-Chain Acyl-Coenzyme A Dehydrogenase Deficiency; VLCAD Deficiency. Identifiers: Orphanet 26793, MedGen C3887523, MONDO:0008723, OMIM 201475.

Allele frequency attached by ClinVar (database versions not stated): gnomAD exomes below 0.00001 and 0.00002; ExAC 0.00002.
gnomAD v4.1: 8 of 1,614,134 alleles (0.0005%); highest among the groups gnomAD compares: Middle Eastern, 0.016%; no homozygotes.

Submissions (2):

Labcorp Genetics (formerly Invitae), Labcorp
Classification: Uncertain significance for Very long chain acyl-CoA dehydrogenase deficiency. Last evaluated: 2021-12-26. Review status: criteria provided, single submitter. Criteria: Invitae Variant Classification Sherloc (09022015). Collection method: clinical testing. Allele origin: germline.
Comment: This sequence change replaces glutamine, which is neutral and polar, with histidine, which is basic and polar, at codon 412 of the ACADVL protein (p.Gln412His). This variant is present in population databases (rs745355288, gnomAD 0.01%). This variant has not been reported in the literature in individuals affected with ACADVL-related conditions. ClinVar contains an entry for this variant (Variation ID: 932807). Algorithms developed to predict the effect of missense changes on protein structure and function (SIFT, PolyPhen-2, Align-GVGD) all suggest that this variant is likely to be tolerated. In summary, the available evidence is currently insufficient to determine the role of this variant in disease. Therefore, it has been classified as a Variant of Uncertain Significance.

Wong Mito Lab, Molecular and Human Genetics, Baylor College of Medicine
Classification: Uncertain significance for Very long chain acyl-CoA dehydrogenase deficiency. Last evaluated: 2019-11-01. Review status: criteria provided, single submitter. Criteria: ACMG Guidelines, 2015. Collection method: clinical testing. Allele origin: germline.
Comment: The NM_000018.3:c.1236G>C (NP_000009.1:p.Gln412His) [GRCH38: NC_000017.11:g.7223697G>C] variant in ACADVL gene is interpretated to be Uncertain Significance based on ACMG guidelines (PMID: 25741868). This variant has been reported. This variant dose not meet any evidence codes reported in the ACMG guidelines.

NM_000018.4(ACADVL):c.1236G>C (p.Gln412His)

Gene: ACADVL (acyl-CoA dehydrogenase very long chain; plus strand). Cytogenetic location: 17p13.1.
Variant type: single nucleotide variant.
Coding change: c.1236G>C on transcript NM_000018.4 (MANE Select); coding-DNA position 1236, G replaced by C.
Protein change: p.Gln412His; replaces glutamine 412 with histidine.
Molecular consequence: missense variant.
Genome position (GRCh38, 1-based): chr17:7,223,697, G>C. VCF-style: chr17-7223697-G-C. GRCh37 (hg19) VCF-style: chr17-7127016-G-C.
Other names: c.1170G>C, p.Gln390His (NM_001033859.3); c.1305G>C, p.Gln435His (NM_001270447.2); c.1008G>C, p.Gln336His (NM_001270448.2); short protein forms Q336H, Q390H, Q412H, Q435H.
Identifiers: ClinVar variation 932807 (VCV000932807.5), dbSNP rs745355288, ClinGen allele CA8338042.